The following is an entry in ClinVar:

ClinVar aggregate classification (germline): Pathogenic (1 of 4 stars; one submission).

Conditions:
Hereditary cancer-predisposing syndrome. Also called: Neoplastic Syndromes, Hereditary; Tumor predisposition; Hereditary neoplastic syndrome; Hereditary Cancer Syndrome. Identifiers: Orphanet 140162, MedGen C0027672, MeSH D009386, MONDO:0015356.

Submission:

Ambry Genetics
Classification: Pathogenic for Hereditary cancer-predisposing syndrome. Last evaluated: 2022-11-15. Review status: criteria provided, single submitter. Criteria: Ambry Variant Classification Scheme 2023. Collection method: clinical testing. Allele origin: germline.
Comment: The c.2082delC pathogenic mutation, located in coding exon 14 of the MSH3 gene, results from a deletion of one nucleotide at nucleotide position 2082, causing a translational frameshift with a predicted alternate stop codon (p.V696Lfs*16). This alteration is expected to result in loss of function by premature protein truncation or nonsense-mediated mRNA decay. As such, this alteration is interpreted as a disease-causing mutation.

NM_002439.5(MSH3):c.2082del (p.Val696fs)

Gene: MSH3 (mutS homolog 3; plus strand). Cytogenetic location: 5q14.1.
Variant type: Deletion.
Coding change: c.2082del on transcript NM_002439.5 (MANE Select); coding-DNA position 2082, one base deleted (C; older notation c.2082delC).
Protein change: p.Val696fs; shifts the reading frame from valine 696.
Molecular consequence: frameshift variant.
Genome position (GRCh38, 1-based): chr5:80,768,118, C deleted; the last of 2 consecutive C bases (chr5:80,768,117-80,768,118); deleting either gives the same sequence. VCF-style (leftmost placement, unchanged base first): chr5-80768116-GC-G. GRCh37 (hg19) VCF-style: chr5-80063935-GC-G.
Other names: short protein forms V696fs.
Identifiers: ClinVar variation 2451038 (VCV002451038.2), dbSNP rs2546773761, ClinGen allele CA2580073610.
Genomic context (GRCh38, chr5:80,768,116, plus strand): 5'-GAAATTCCTGAACTCCTCAGTCCAGTGGAGCATTACTTAAAGATACTCAATGAACAAGCT[GC>G]CAAGTAAGTACCAGACCCTGAATTCTTCCTTTTCACCAGTCAGTATAATTCAGTGCATTT-3'